The following is an entry in ClinVar:

ClinVar aggregate classification (germline): Uncertain significance. Review status: criteria provided, single submitter (1 of 4 stars). 2 submissions from 2 submitters: Uncertain significance (1). 1 of the submissions does not count toward it. Last evaluated 2020-08-19.

Conditions:
Congenital hyperammonemia, type I. Also called: Carbamoyl phosphate synthetase 1 deficiency; Hyperammonemia due to carbamoyl phosphate synthetase 1 deficiency; CPS 1 deficiency; Carbamyl phosphate synthetase (CPS) deficiency; Carbamoyl-phosphate synthase I deficiency; Carbamoyl phosphate synthetase I deficiency disease. Identifiers: Orphanet 147, MedGen C4082171, MONDO:0009376, OMIM 237300.

Allele frequency attached by ClinVar (database versions not stated): gnomAD exomes below 0.00001; TOPMed below 0.00001; gnomAD 0.00001.
gnomAD v4.1: 4 of 1,612,472 alleles (0.00025%); highest among the groups gnomAD compares: Non-Finnish European, 0.00034%; no homozygotes.

Submissions (2):

Labcorp Genetics (formerly Invitae), Labcorp
Classification: Uncertain significance for Congenital hyperammonemia, type I. Last evaluated: 2020-08-19. Review status: criteria provided, single submitter. Criteria: Invitae Variant Classification Sherloc (09022015). Collection method: clinical testing. Allele origin: germline.
Comment: This sequence change replaces proline with serine at codon 486 of the CPS1 protein (p.Pro486Ser). The proline residue is highly conserved and there is a moderate physicochemical difference between proline and serine. This variant is not present in population databases (ExAC no frequency). This variant has not been reported in the literature in individuals with CPS1-related conditions. Algorithms developed to predict the effect of missense changes on protein structure and function are either unavailable or do not agree on the potential impact of this missense change (SIFT: "Deleterious"; PolyPhen-2: "Probably Damaging"; Align-GVGD: "Class C0"). In summary, the available evidence is currently insufficient to determine the role of this variant in disease. Therefore, it has been classified as a Variant of Uncertain Significance.

Natera, Inc.
Classification: Uncertain significance for Carbamoyl-phosphate synthase I deficiency. Last evaluated: 2021-02-28. Review status: no assertion criteria provided. Collection method: clinical testing. Allele origin: germline. Not counted in ClinVar's aggregate classification.

NM_001875.5(CPS1):c.1456C>T (p.Pro486Ser)

Gene: CPS1 (carbamoyl-phosphate synthase 1; plus strand). Cytogenetic location: 2q34.
Variant type: single nucleotide variant.
Coding change: c.1456C>T on transcript NM_001875.5 (MANE Select); coding-DNA position 1456, C replaced by T.
Protein change: p.Pro486Ser; replaces proline 486 with serine.
Molecular consequence: missense variant. On other transcripts: non-coding transcript variant (2).
Genome position (GRCh38, 1-based): chr2:210,599,468, C>T. VCF-style: chr2-210599468-C-T. GRCh37 (hg19) VCF-style: chr2-211464192-C-T.
Other names: c.1456C>T, p.Pro486Ser (NM_001122633.3, NM_001369257.1); c.1489C>T, p.Pro497Ser (NM_001369256.1); short protein forms P486S, P497S.
Identifiers: ClinVar variation 1014717 (VCV001014717.11), dbSNP rs1419745583, ClinGen allele CA350435663.
Genomic context (GRCh38, chr2:210,599,468, plus strand): 5'-ATTGCATCAGTCCAGACCAATGAGGTGGGCTTAAAGCAAGCGGATACTGTCTACTTTCTT[C>T]CCATCACCCCTCAGTTTGTCACAGAGGTCATCAAGGCAGAACAGCCAGATGGGTTAATTC-3'
Protein context (NP_001866.2, residues 476-496): LKQADTVYFL[Pro486Ser]ITPQFVTEVI